The following is an entry in ClinVar:

ClinVar aggregate classification (germline): Conflicting classifications of pathogenicity. Review status: criteria provided, conflicting classifications (1 of 4 stars). 9 submissions from 9 submitters: Pathogenic (1); Likely pathogenic (6); Uncertain significance (1). 1 of the submissions does not count toward it. Last evaluated 2026-08-04.

Conditions:
BCKDHB-related disorder. Also called: BCKDHB-related condition.
Maple syrup urine disease type 1A (MSUD1A). Also called: MSUD type 1A. Identifiers: MedGen C1855369, MONDO:0023691, OMIM 248600.
Maple syrup urine disease type 1B (MSUD1B). Also called: MSUD type IB; MSUD type 3 (formerly); MSUD due to deficiency of e1-beta subunit of branched-chain alpha-keto acid dehydrogenase complex. Identifiers: MedGen C2930990, MONDO:0023692, OMIM 620698.
Maple syrup urine disease (MSUD). Identifiers: Orphanet 511, MedGen C0024776, MeSH D008375, MONDO:0009563. Disease mechanism: loss of function.

Submissions (9):

GeneDx
Classification: Likely pathogenic. Last evaluated: 2026-08-04. Review status: criteria provided, single submitter. Criteria: GeneDx Variant Classification Process June 2021. Collection method: clinical testing. Allele origin: germline.
Comment: Not observed at significant frequency in large population cohorts (gnomAD); In silico analysis supports that this missense variant has a deleterious effect on protein structure/function; This variant is associated with the following publications: (PMID: 32812330, 30293248, 39270351)

Natera, Inc.
Classification: Likely pathogenic for Maple syrup urine disease type 1B. Last evaluated: 2024-11-04. Review status: criteria provided, single submitter. Criteria: Natera Variant Classification Schema (03/2026). Collection method: clinical testing. Allele origin: germline.
Comment: The c.995C>T variant in BCKDHB is a missense variant predicted to cause substitution of proline to leucine at amino acid 332. This variant is rare in the general population with a frequency below the threshold expected for the associated phenotype(s). This variant has been observed in one or more individuals affected with the associated recessive disease, as either homozygous or compound heterozygous with a second variant (PMID: 30293248). This variant has been identified in one or more affected individuals with a phenotype highly consistent with the associated gene (PMID: 30293248). Computational prediction algorithms indicate this variant is likely to affect gene or protein function. Given the available evidence, this variant is classified as Likely Pathogenic.

CeGaT Center for Human Genetics Tuebingen
Classification: Likely pathogenic. Last evaluated: 2024-07-01. Review status: criteria provided, single submitter. Criteria: CeGaT Center For Human Genetics Tuebingen Variant Classification Criteria Version 2. Collection method: clinical testing. Allele origin: germline. Affected: yes. Observed: 2 variant alleles.
Comment: BCKDHB: PM1, PM2, PM3, PP4:Moderate

PreventionGenetics, part of Exact Sciences
Classification: Uncertain significance for BCKDHB-related condition. Last evaluated: 2023-07-13. Review status: criteria provided, single submitter. Criteria: ACMG Guidelines, 2015. Collection method: clinical testing. Allele origin: germline.
Comment: The BCKDHB c.995C>T variant is predicted to result in the amino acid substitution p.Pro332Leu. This variant has been reported in the homozygous state in an individual with Maple syrup urine disease (Table 2, Nair et al. 2018. PubMed ID: 30293248; Table 3, Khalifa et al. 2020. PubMed ID: 32812330). This variant has not been reported in a large population database, indicating this variant is rare. While we suspect that this variant is pathogenic, at this time its clinical significance is uncertain due to the absence of conclusive functional and genetic evidence.

Labcorp Genetics (formerly Invitae), Labcorp
Classification: Pathogenic for Maple syrup urine disease. Last evaluated: 2023-04-11. Review status: criteria provided, single submitter. Criteria: Invitae Variant Classification Sherloc (09022015). Collection method: clinical testing. Allele origin: germline.
Comment: For these reasons, this variant has been classified as Pathogenic. This sequence change replaces proline, which is neutral and non-polar, with leucine, which is neutral and non-polar, at codon 332 of the BCKDHB protein (p.Pro332Leu). This variant is not present in population databases (gnomAD no frequency). This missense change has been observed in individual(s) with maple syrup urine disease (MSUD) (Invitae; http//). ClinVar contains an entry for this variant (Variation ID: 432059). Advanced modeling of protein sequence and biophysical properties (such as structural, functional, and spatial information, amino acid conservation, physicochemical variation, residue mobility, and thermodynamic stability) performed at Invitae indicates that this missense variant is expected to disrupt BCKDHB protein function.

Baylor Genetics
Classification: Likely pathogenic for Maple syrup urine disease type 1A. Last evaluated: 2023-02-10. Review status: criteria provided, single submitter. Criteria: ACMG Guidelines, 2015. Collection method: clinical testing. Allele origin: unknown.

Laboratorio de Genetica e Diagnostico Molecular, Hospital Israelita Albert Einstein
Classification: Likely pathogenic for Maple syrup urine disease type 1A. Last evaluated: 2022-11-10. Review status: criteria provided, single submitter. Criteria: ACMG Guidelines, 2015. Collection method: clinical testing. Allele origin: germline. Affected: yes. Observed: 1 variant allele.
Comment: ACMG classification criteria: PM2 moderated, PM3 moderated, PP3 supporting, PP4

Genome-Nilou Lab
Classification: Likely pathogenic for Maple syrup urine disease type 1A. Last evaluated: 2021-11-07. Review status: criteria provided, single submitter. Criteria: ACMG Guidelines, 2015. Collection method: clinical testing. Allele origin: germline. Affected: no.

Counsyl
Classification: Uncertain significance for Maple syrup urine disease type 1A. Last evaluated: 2018-04-20. Review status: no assertion criteria provided. Collection method: clinical testing. Allele origin: unknown. Not counted in ClinVar's aggregate classification.

Literature cited by the submitters: PubMed 30293248 (cited by Natera, Inc.).

NM_183050.4(BCKDHB):c.995C>T (p.Pro332Leu)

Gene: BCKDHB (branched chain keto acid dehydrogenase E1 subunit beta; plus strand). Cytogenetic location: 6q14.1.
Variant type: single nucleotide variant.
Coding change: c.995C>T on transcript NM_183050.4 (MANE Select); coding-DNA position 995, C replaced by T.
Protein change: p.Pro332Leu; replaces proline 332 with leucine.
Molecular consequence: missense variant. On other transcripts: non-coding transcript variant (1).
Genome position (GRCh38, 1-based): chr6:80,273,178, C>T. VCF-style: chr6-80273178-C-T. GRCh37 (hg19) VCF-style: chr6-80982895-C-T.
Other names: c.995C>T (NM_000056.4, NM_183050.3); c.995C>T, p.Pro332Leu (NM_000056.5); c.785C>T, p.Pro262Leu (NM_001318975.1); short protein forms P332L, P262L.
Identifiers: ClinVar variation 432059 (VCV000432059.58), dbSNP rs1554205541, ClinGen allele CA365009178.